The following is an entry in ClinVar:

ClinVar aggregate classification (germline): Uncertain significance. Review status: criteria provided, multiple submitters, no conflicts (2 of 4 stars). 2 submissions from 2 submitters: Uncertain significance (2). Last evaluated 2022-02-25.

Conditions:
Inborn genetic diseases. Identifiers: MedGen C0950123, MeSH D030342.

Allele frequency attached by ClinVar (database versions not stated): TOPMed 0.00004.
gnomAD v4.1: 34 of 1,610,034 alleles (0.0021%); highest among the groups gnomAD compares: Admixed American, 0.055%; no homozygotes.

Submissions (2):

Labcorp Genetics (formerly Invitae), Labcorp
Classification: Uncertain significance. Last evaluated: 2022-02-25. Review status: criteria provided, single submitter. Criteria: Invitae Variant Classification Sherloc (09022015). Collection method: clinical testing. Allele origin: germline.
Comment: In summary, the available evidence is currently insufficient to determine the role of this variant in disease. Therefore, it has been classified as a Variant of Uncertain Significance. Algorithms developed to predict the effect of missense changes on protein structure and function output the following: SIFT: "Tolerated"; PolyPhen-2: "Benign"; Align-GVGD: "Class C0". The aspartic acid amino acid residue is found in multiple mammalian species, which suggests that this missense change does not adversely affect protein function. This variant has not been reported in the literature in individuals affected with FAM20A-related conditions. This variant is present in population databases (rs762609484, gnomAD 0.08%). This sequence change replaces glycine, which is neutral and non-polar, with aspartic acid, which is acidic and polar, at codon 83 of the FAM20A protein (p.Gly83Asp).

Ambry Genetics
Classification: Uncertain significance for Inborn genetic diseases. Last evaluated: 2021-06-11. Review status: criteria provided, single submitter. Criteria: Ambry Variant Classification Scheme 2023. Collection method: clinical testing. Allele origin: germline.

NM_017565.4(FAM20A):c.248G>A (p.Gly83Asp)

Gene: FAM20A (FAM20A golgi associated secretory pathway pseudokinase; minus strand). Cytogenetic location: 17q24.2.
Variant type: single nucleotide variant.
Coding change: c.248G>A on transcript NM_017565.4 (MANE Select); coding-DNA position 248, G replaced by A.
Protein change: p.Gly83Asp; replaces glycine 83 with aspartic acid.
Molecular consequence: missense variant. On other transcripts: 5 prime UTR variant (1).
Genome position (GRCh38, 1-based): chr17:68,600,419, C>T on the plus strand (G>A on the coding strand, the complement: FAM20A is on the minus strand). VCF-style: chr17-68600419-C-T. GRCh37 (hg19) VCF-style: chr17-66596560-C-T.
Other names: c.-393G>A (NM_001243746.2); c.248G>A (NM_017565.3); short protein forms G83D.
Identifiers: ClinVar variation 2186268 (VCV002186268.3), dbSNP rs762609484, ClinGen allele CA8730147.